The following is an entry in ClinVar:

NM_015690.5(STK36):c.1748G>A (p.Arg583Gln)

Gene: STK36 (serine/threonine kinase 36; plus strand). Cytogenetic location: 2q35.
Variant type: single nucleotide variant.
Coding change: c.1748G>A on transcript NM_015690.5 (MANE Select); coding-DNA position 1748, G replaced by A.
Protein change: p.Arg583Gln; replaces arginine 583 with glutamine.
Molecular consequence: missense variant.
Genome position (GRCh38, 1-based): chr2:218,690,539, G>A. VCF-style: chr2-218690539-G-A. GRCh37 (hg19) VCF-style: chr2-219555262-G-A.
Other names: c.1748G>A, p.Arg583Gln (NM_001243313.2, NM_001369423.1); short protein forms R583Q.
Identifiers: ClinVar variation 403497 (VCV000403497.9), dbSNP rs1344642, ClinGen allele CA2110888.

ClinVar aggregate classification (germline): Benign. Review status: criteria provided, multiple submitters, no conflicts (2 of 4 stars). 4 submissions from 4 submitters: Benign (4). Last evaluated 2024-11-26.

Allele frequency attached by ClinVar (database versions not stated): gnomAD exomes 0.41335; ExAC 0.41950; 1000 Genomes Project 0.42173; 1000 Genomes Project 30x 0.42895; TOPMed 0.49189; gnomAD 0.49480; ESP Exome Variant Server 0.50584.
gnomAD v4.1: 704,884 of 1,612,946 alleles (44%); highest among the groups gnomAD compares: African/African-American, 65%; 159,073 homozygotes.

Submissions (4):

Blueprint Genetics
Classification: Benign. Last evaluated: 2024-11-26. Review status: criteria provided, single submitter. Criteria: ACMG Guidelines, 2015. Collection method: clinical testing. Allele origin: germline.

GeneDx
Classification: Benign. Last evaluated: 2021-05-04. Review status: criteria provided, single submitter. Criteria: GeneDx Variant Classification Process June 2021. Collection method: clinical testing. Allele origin: germline. Affected: yes.

Laboratory for Molecular Medicine, Mass General Brigham Personalized Medicine
Classification: Benign. Last evaluated: 2016-03-29. Review status: criteria provided, single submitter. Criteria: LMM Criteria. Collection method: clinical testing. Allele origin: germline.
Comment: Variant identified in a genome or exome case(s) and assessed due to predicted null impact of the variant or pathogenic assertions in the literature or databases. Disclaimer: This variant has not undergone full assessment. The following are preliminary notes: Frequency

Breakthrough Genomics
Classification: Benign. Review status: criteria provided, single submitter. Criteria: ACMG Guidelines, 2015. Collection method: not provided. Allele origin: germline. Inheritance: Autosomal recessive inheritance. Affected: yes.